The following is an entry in ClinVar:

NM_002878.4(RAD51D):c.966A>G (p.Thr322=)

Genes: RAD51D (RAD51 paralog D; minus strand), RAD51L3-RFFL (RAD51L3-RFFL readthrough; minus strand). Cytogenetic location: 17q12.
Variant type: single nucleotide variant.
Coding change: c.966A>G on transcript NM_002878.4 (MANE Select); coding-DNA position 966, A replaced by G.
Protein change: p.Thr322=; no amino-acid change (threonine 322 retained).
Molecular consequence: synonymous variant. On other transcripts: non-coding transcript variant (2).
Genome position (GRCh38, 1-based): chr17:35,100,974, T>C on the plus strand (A>G on the coding strand, the complement: RAD51D is on the minus strand). VCF-style: chr17-35100974-T-C. GRCh37 (hg19) VCF-style: chr17-33427993-T-C.
Other names: c.1026A>G, p.Thr342= (NM_001142571.2); c.630A>G, p.Thr210= (NM_133629.3).
Identifiers: ClinVar variation 186888 (VCV000186888.20), dbSNP rs786203299, ClinGen allele CA196148.

ClinVar aggregate classification (germline): Benign/Likely benign. Review status: criteria provided, multiple submitters, no conflicts (2 of 4 stars). 6 submissions from 6 submitters: Benign (1); Likely benign (5). Last evaluated 2025-12-22.

Conditions:
Breast-ovarian cancer, familial, susceptibility to, 4. Identifiers: Orphanet 145, MedGen C3280345, MONDO:0013669, OMIM 614291.
Hereditary cancer-predisposing syndrome. Also called: Neoplastic Syndromes, Hereditary; Tumor predisposition; Hereditary Cancer Syndrome; Hereditary neoplastic syndrome. Identifiers: Orphanet 140162, MedGen C0027672, MeSH D009386, MONDO:0015356.

Allele frequency attached by ClinVar (database versions not stated): gnomAD exomes 0.00001; TOPMed 0.00001; gnomAD 0.00002.
gnomAD v4.1: 19 of 1,613,136 alleles (0.0012%); highest among the groups gnomAD compares: Non-Finnish European, 0.0016%; no homozygotes.

Submissions (6):

Labcorp Genetics (formerly Invitae), Labcorp
Classification: Likely benign for Breast-ovarian cancer, familial, susceptibility to, 4. Last evaluated: 2025-12-22. Review status: criteria provided, single submitter. Criteria: Invitae Variant Classification Sherloc (09022015). Collection method: clinical testing. Allele origin: germline.

Myriad Genetics, Inc.
Classification: Benign for Breast-ovarian cancer, familial, susceptibility to, 4. Last evaluated: 2025-02-25. Review status: criteria provided, single submitter. Criteria: Myriad Autosomal Dominant, Autosomal Recessive and X-Linked Classification Criteria (2023). Collection method: clinical testing. Allele origin: unknown.
Comment: This variant is considered benign. This variant is a silent/synonymous amino acid change and it is not expected to impact splicing.

GeneDx
Classification: Likely benign. Last evaluated: 2020-10-14. Review status: criteria provided, single submitter. Criteria: GeneDx Variant Classification Process June 2021. Collection method: clinical testing. Allele origin: germline. Affected: yes.

Women's Health and Genetics/Laboratory Corporation of America, LabCorp
Classification: Likely benign. Last evaluated: 2019-08-29. Review status: criteria provided, single submitter. Criteria: LabCorp Variant Classification Summary - May 2015. Collection method: clinical testing. Allele origin: germline.

Color Diagnostics, LLC DBA Color Health
Classification: Likely benign for Hereditary cancer-predisposing syndrome. Last evaluated: 2016-08-05. Review status: criteria provided, single submitter. Criteria: ACMG Guidelines, 2015. Collection method: clinical testing. Allele origin: germline.

Ambry Genetics
Classification: Likely benign for Hereditary cancer-predisposing syndrome. Last evaluated: 2014-11-03. Review status: criteria provided, single submitter. Criteria: Ambry Variant Classification Scheme 2023. Collection method: clinical testing. Allele origin: germline.